The following is an entry in ClinVar:

NM_032383.5(HPS3):c.2871C>A (p.Tyr957Ter)

Genes: CP (ceruloplasmin; minus strand), HPS3 (HPS3 biogenesis of lysosomal organelles complex 2 subunit 1; plus strand). Cytogenetic location: 3q24.
Variant type: single nucleotide variant.
Coding change: c.2871C>A on transcript NM_032383.5 (MANE Select); coding-DNA position 2871, C replaced by A.
Protein change: p.Tyr957Ter; replaces tyrosine 957 with a stop codon.
Molecular consequence: nonsense.
Genome position (GRCh38, 1-based): chr3:149,167,967, C>A. VCF-style: chr3-149167967-C-A. GRCh37 (hg19) VCF-style: chr3-148885754-C-A.
Other names: c.2376C>A, p.Tyr792Ter (NM_001308258.2); short protein forms Y792*, Y957*.
Identifiers: ClinVar variation 2676080 (VCV002676080.2), dbSNP rs917888974, ClinGen allele CA85518606.
Genomic context (GRCh38, chr3:149,167,967, plus strand): 5'-AAAACTGTTGCCTGAACTTTGTCAGAGAATAAAATGTGGTGGAGAGAAGTATCAACTCTA[C>A]CTGTCATCATTAAAAGGTAAAATGATTTTTTTTTTGCTTGATTATAAACTTAAGTTTCAG-3'

ClinVar aggregate classification (germline): Conflicting classifications of pathogenicity. Review status: criteria provided, conflicting classifications (1 of 4 stars). 2 submissions from 2 submitters: Likely pathogenic (1); Uncertain significance (1). Last evaluated 2024-04-22.

Conditions:
Hermansky-Pudlak syndrome 3 (HPS3). Identifiers: Orphanet 231512, Orphanet 79430, MedGen C3888001, MONDO:0013555, OMIM 614072.

Allele frequency attached by ClinVar (database versions not stated): TOPMed 0.00002.
gnomAD v4.1: 5 of 1,576,362 alleles (0.00032%); highest among the groups gnomAD compares: African/African-American, 0.0054%; no homozygotes.

Submissions (2):

GeneDx
Classification: Uncertain significance. Last evaluated: 2024-04-22. Review status: criteria provided, single submitter. Criteria: GeneDx Variant Classification Process June 2021. Collection method: clinical testing. Allele origin: germline. Affected: yes.
Comment: Nonsense variant predicted to result in protein truncation, as the last 48 amino acids are lost, and other loss-of-function variants have been reported downstream in HGMD; Has not been previously published as pathogenic or benign to our knowledge

Baylor Genetics
Classification: Likely pathogenic for Hermansky-Pudlak syndrome 3. Last evaluated: 2023-06-01. Review status: criteria provided, single submitter. Criteria: ACMG Guidelines, 2015. Collection method: clinical testing. Allele origin: unknown.